The following is an entry in ClinVar:

NM_022124.6(CDH23):c.2755G>T (p.Glu919Ter)

Gene: CDH23 (cadherin related 23; plus strand). Cytogenetic location: 10q22.1.
Variant type: single nucleotide variant.
Coding change: c.2755G>T on transcript NM_022124.6 (MANE Select); coding-DNA position 2755, G replaced by T.
Protein change: p.Glu919Ter; replaces glutamic acid 919 with a stop codon.
Molecular consequence: nonsense.
Genome position (GRCh38, 1-based): chr10:71,704,932, G>T. VCF-style: chr10-71704932-G-T. GRCh37 (hg19) VCF-style: chr10-73464689-G-T.
Other names: c.2755G>T, p.Glu919Ter (NM_001171930.2, NM_001171931.2); short protein forms E919*.
Identifiers: ClinVar variation 2127558 (VCV002127558.4), dbSNP rs1865721642, ClinGen allele CA377139472.

ClinVar aggregate classification (germline): Pathogenic (1 of 4 stars; one submission).

Submission:

Labcorp Genetics (formerly Invitae), Labcorp
Classification: Pathogenic. Last evaluated: 2022-04-25. Review status: criteria provided, single submitter. Criteria: Invitae Variant Classification Sherloc (09022015). Collection method: clinical testing. Allele origin: germline.
Comment: For these reasons, this variant has been classified as Pathogenic. This variant has not been reported in the literature in individuals affected with CDH23-related conditions. This variant is not present in population databases (gnomAD no frequency). This sequence change creates a premature translational stop signal (p.Glu919*) in the CDH23 gene. It is expected to result in an absent or disrupted protein product. Loss-of-function variants in CDH23 are known to be pathogenic (PMID: 11138009, 21940737).

Literature cited by the submitters: PubMed 11138009; PubMed 21940737.